The following is an entry in ClinVar:

NM_000540.3(RYR1):c.2048T>G (p.Val683Gly)

Gene: RYR1 (ryanodine receptor 1; plus strand). Cytogenetic location: 19q13.2.
Variant type: single nucleotide variant.
Coding change: c.2048T>G on transcript NM_000540.3 (MANE Select); coding-DNA position 2048, T replaced by G.
Protein change: p.Val683Gly; replaces valine 683 with glycine.
Molecular consequence: missense variant.
Genome position (GRCh38, 1-based): chr19:38,458,173, T>G. VCF-style: chr19-38458173-T-G. GRCh37 (hg19) VCF-style: chr19-38948813-T-G.
Other names: c.2048T>G, p.Val683Gly (NM_001042723.2); short protein forms V683G.
Identifiers: ClinVar variation 4802113 (VCV004802113.2).

ClinVar aggregate classification (germline): Uncertain significance. Review status: criteria provided, multiple submitters, no conflicts (2 of 4 stars). 2 submissions from 2 submitters: Uncertain significance (2). Last evaluated 2026-03-06.

Conditions:
RYR1-related disorder. Also called: RYR1-related disorders; RYR1-related condition. Identifiers: MedGen CN239331.

Submissions (2):

GeneDx
Classification: Uncertain significance. Last evaluated: 2026-03-06. Review status: criteria provided, single submitter. Criteria: GeneDx Variant Classification Process June 2021. Collection method: clinical testing. Allele origin: germline.
Comment: Not observed at significant frequency in large population cohorts (gnomAD); In silico analysis supports that this missense variant has a deleterious effect on protein structure/function; Has not been previously published as pathogenic or benign to our knowledge

Labcorp Genetics (formerly Invitae), Labcorp
Classification: Uncertain significance for RYR1-related disorder. Last evaluated: 2025-06-22. Review status: criteria provided, single submitter. Criteria: Invitae Variant Classification Sherloc (09022015). Collection method: clinical testing. Allele origin: germline.
Comment: This sequence change replaces valine, which is neutral and non-polar, with glycine, which is neutral and non-polar, at codon 683 of the RYR1 protein (p.Val683Gly). This variant is not present in population databases (gnomAD no frequency). This variant has not been reported in the literature in individuals affected with RYR1-related conditions. Invitae Evidence Modeling of protein sequence and biophysical properties (such as structural, functional, and spatial information, amino acid conservation, physicochemical variation, residue mobility, and thermodynamic stability) indicates that this missense variant is expected to disrupt RYR1 protein function with a positive predictive value of 95%. In summary, the available evidence is currently insufficient to determine the role of this variant in disease. Therefore, it has been classified as a Variant of Uncertain Significance.